The following is an entry in ClinVar:

ClinVar aggregate classification (germline): Uncertain significance. Review status: criteria provided, multiple submitters, no conflicts (2 of 4 stars). 3 submissions from 3 submitters: Uncertain significance (3). Last evaluated 2026-02-11.

Conditions:
Agammaglobulinemia 8, autosomal dominant (AGM8A). Also called: AGAMMAGLOBULINEMIA, AUTOSOMAL DOMINANT, DUE TO TCF3 DEFECT; AGAMMAGLOBULINEMIA 8A, AUTOSOMAL DOMINANT. Identifiers: MedGen C4310786, MONDO:0014840, OMIM 616941.

Allele frequency attached by ClinVar (database versions not stated): gnomAD 0.00005 and 0.00006; ESP Exome Variant Server 0.00010; gnomAD exomes 0.00001 and 0.00003; TOPMed 0.00004; ExAC 0.00005.
gnomAD v4.1: 21 of 1,550,216 alleles (0.0014%); highest among the groups gnomAD compares: African/African-American, 0.015%; no homozygotes.

Submissions (3):

Dasa
Classification: Uncertain significance for Agammaglobulinemia 8, autosomal dominant. Last evaluated: 2026-02-11. Review status: criteria provided, single submitter. Criteria: DASA Assertion Criteria. Collection method: clinical testing. Allele origin: germline.
Comment: NM_003200.5(TCF3):c.128C>T (p.Ala43Val) is a missense variant that results in the substitution of alanine with valine. This variant is rare in population databases. Computational prediction algorithms are consistent with a benign effect. The currently available literature and clinical evidence are not sufficient to establish a definitive association between this variant and the reported condition. Therefore, this variant is classified as a variant of uncertain significance.

Labcorp Genetics (formerly Invitae), Labcorp
Classification: Uncertain significance. Last evaluated: 2025-12-12. Review status: criteria provided, single submitter. Criteria: Invitae Variant Classification Sherloc (09022015). Collection method: clinical testing. Allele origin: germline.
Comment: This sequence change replaces alanine, which is neutral and non-polar, with valine, which is neutral and non-polar, at codon 43 of the TCF3 protein (p.Ala43Val). This variant is present in population databases (rs376245305, gnomAD 0.02%). This variant has not been reported in the literature in individuals affected with TCF3-related conditions. ClinVar contains an entry for this variant (Variation ID: 636870). Invitae Evidence Modeling of protein sequence and biophysical properties (such as structural, functional, and spatial information, amino acid conservation, physicochemical variation, residue mobility, and thermodynamic stability) indicates that this missense variant is not expected to disrupt TCF3 protein function with a negative predictive value of 80%. In summary, the available evidence is currently insufficient to determine the role of this variant in disease. Therefore, it has been classified as a Variant of Uncertain Significance.

Blueprint Genetics
Classification: Uncertain significance. Last evaluated: 2021-08-27. Review status: criteria provided, single submitter. Criteria: ACMG Guidelines, 2015. Collection method: clinical testing. Allele origin: germline.

NM_003200.5(TCF3):c.128C>T (p.Ala43Val)

Gene: TCF3 (transcription factor 3; minus strand). Cytogenetic location: 19p13.3.
Variant type: single nucleotide variant.
Coding change: c.128C>T on transcript NM_003200.5 (MANE Select); coding-DNA position 128, C replaced by T.
Protein change: p.Ala43Val; replaces alanine 43 with valine.
Molecular consequence: missense variant.
Genome position (GRCh38, 1-based): chr19:1,646,372, G>A on the plus strand (C>T on the coding strand, the complement: TCF3 is on the minus strand). VCF-style: chr19-1646372-G-A. GRCh37 (hg19) VCF-style: chr19-1646371-G-A.
Other names: c.128C>T, p.Ala43Val (NM_001136139.4, NM_001351778.2, NM_001351779.2); short protein forms A43V.
Identifiers: ClinVar variation 636870 (VCV000636870.5), dbSNP rs376245305, ClinGen allele CA9050581.